The following is an entry in ClinVar:

NM_001379286.1(ZNF423):c.2876C>T (p.Thr959Met)

Gene: ZNF423 (zinc finger protein 423; minus strand). Cytogenetic location: 16q12.1.
Variant type: single nucleotide variant.
Coding change: c.2876C>T on transcript NM_001379286.1 (MANE Select); coding-DNA position 2876, C replaced by T.
Protein change: p.Thr959Met; replaces threonine 959 with methionine.
Molecular consequence: missense variant.
Genome position (GRCh38, 1-based): chr16:49,636,300, G>A on the plus strand (C>T on the coding strand, the complement: ZNF423 is on the minus strand). VCF-style: chr16-49636300-G-A. GRCh37 (hg19) VCF-style: chr16-49670211-G-A.
Other names: c.2852C>T (NM_015069.4); c.2672C>T, p.Thr891Met (NM_001271620.2); c.2501C>T, p.Thr834Met (NM_001330533.2); c.2852C>T, p.Thr951Met (NM_015069.5); short protein forms T891M, T951M, T834M, T959M.
Identifiers: ClinVar variation 836139 (VCV000836139.10), dbSNP rs200057861, ClinGen allele CA8046416.

ClinVar aggregate classification (germline): Uncertain significance. Review status: criteria provided, multiple submitters, no conflicts (2 of 4 stars). 6 submissions from 5 submitters: Uncertain significance (6). Last evaluated 2026-09-21.

Conditions:
ZNF423-related disorder. Also called: ZNF423-related condition.
Optic atrophy. Identifiers: MedGen C0029124, MONDO:0003608, HP:0000648.
Retinal dystrophy. Also called: Inherited retinal dystrophy. Identifiers: Orphanet 71862, MedGen C0854723, MeSH D058499, MONDO:0019118, HP:0000556.
Nephronophthisis 14 (NPHP14). Identifiers: Orphanet 2318, MedGen C3539071, MONDO:0013916, OMIM 614844.

Allele frequency attached by ClinVar (database versions not stated): ExAC 0.00031; gnomAD exomes 0.00031 and 0.00073; TOPMed 0.00045; gnomAD 0.00049 and 0.00052; ESP Exome Variant Server 0.00054.
gnomAD v4.1: 1,118 of 1,612,684 alleles (0.069%); highest among the groups gnomAD compares: Non-Finnish European, 0.09%; no homozygotes.

Submissions (6):

PreventionGenetics, part of Exact Sciences
Classification: Uncertain significance for ZNF423-related condition. Last evaluated: 2026-09-21. Review status: criteria provided, single submitter. Criteria: ACMG Guidelines, 2015. Collection method: clinical testing. Allele origin: germline.
Comment: The ZNF423 c.2852C>T variant is predicted to result in the amino acid substitution p.Thr951Met. This variant has been reported along with a second ZNF423 variant in an individual with with features of Joubert syndrome 19 (Westphal et al. 2019. PubMed ID: 30868567). This variant is reported in 0.061% of alleles in individuals of European (non-Finnish) descent in gnomAD. Although we suspect that this variant may be benign, the clinical significance of this variant is uncertain at this time due to the absence of conclusive functional and genetic evidence.

Blueprint Genetics
Classification: Uncertain significance. Last evaluated: 2024-11-21. Review status: criteria provided, single submitter. Criteria: ACMG Guidelines, 2015. Collection method: clinical testing. Allele origin: germline.

Institute of Human Genetics, Univ. Regensburg, Univ. Regensburg
Classification: Uncertain significance for Optic atrophy. Last evaluated: 2023-01-01. Review status: criteria provided, single submitter. Criteria: ACMG Guidelines, 2015. Collection method: clinical testing. Allele origin: germline. Affected: yes.

Institute of Human Genetics, Univ. Regensburg, Univ. Regensburg
Classification: Uncertain significance for Retinal dystrophy. Last evaluated: 2023-01-01. Review status: criteria provided, single submitter. Criteria: ACMG Guidelines, 2015. Collection method: clinical testing. Allele origin: germline. Affected: yes.

Labcorp Genetics (formerly Invitae), Labcorp
Classification: Uncertain significance for Nephronophthisis 14. Last evaluated: 2022-10-24. Review status: criteria provided, single submitter. Criteria: Invitae Variant Classification Sherloc (09022015). Collection method: clinical testing. Allele origin: germline.
Comment: This sequence change replaces threonine, which is neutral and polar, with methionine, which is neutral and non-polar, at codon 951 of the ZNF423 protein (p.Thr951Met). This variant is present in population databases (rs200057861, gnomAD 0.06%). This variant has not been reported in the literature in individuals affected with ZNF423-related conditions. ClinVar contains an entry for this variant (Variation ID: 836139). Advanced modeling of protein sequence and biophysical properties (such as structural, functional, and spatial information, amino acid conservation, physicochemical variation, residue mobility, and thermodynamic stability) performed at Invitae indicates that this missense variant is not expected to disrupt ZNF423 protein function. In summary, the available evidence is currently insufficient to determine the role of this variant in disease. Therefore, it has been classified as a Variant of Uncertain Significance.

Revvity Omics, Revvity
Classification: Uncertain significance for Nephronophthisis 14. Last evaluated: 2020-08-06. Review status: criteria provided, single submitter. Criteria: ACMG Guidelines, 2015. Collection method: clinical testing. Allele origin: germline.

Literature cited by the submitters: PubMed 30868567 (cited by Institute of Human Genetics, Univ. Regensburg, Univ. Regensburg).